The following is an entry in ClinVar:

NM_001110556.2(FLNA):c.3071T>G (p.Leu1024Arg)

Gene: FLNA (filamin A; minus strand). Cytogenetic location: Xq28.
Variant type: single nucleotide variant.
Coding change: c.3071T>G on transcript NM_001110556.2 (MANE Select); coding-DNA position 3071, T replaced by G.
Protein change: p.Leu1024Arg; replaces leucine 1024 with arginine.
Molecular consequence: missense variant.
Genome position (GRCh38, 1-based): chrX:154,361,444, A>C on the plus strand (T>G on the coding strand, the complement: FLNA is on the minus strand). VCF-style: chrX-154361444-A-C. GRCh37 (hg19) VCF-style: chrX-153589812-A-C.
Other names: c.3071T>G, p.Leu1024Arg (NM_001456.4); short protein forms L1024R.
Identifiers: ClinVar variation 2087046 (VCV002087046.4), dbSNP rs2522745194, ClinGen allele CA415230547.

ClinVar aggregate classification (germline): Uncertain significance (1 of 4 stars; one submission).

Conditions:
Melnick-Needles syndrome (MNS). Also called: MELNICK-NEEDLES OSTEODYSPLASTY; OSTEODYSPLASTY OF MELNICK AND NEEDLES; Melnick-Needles Syndrome (FLNA-MNS). Identifiers: Orphanet 2484, MedGen C0025237, MONDO:0010650, OMIM 309350.
Heterotopia, periventricular, X-linked dominant (PVNH1). Also called: PERIVENTRICULAR NODULAR HETEROTOPIA 1; X-linked periventricular heterotopia; PERIVENTRICULAR NODULAR HETEROTOPIA 4; HETEROTOPIA, PERIVENTRICULAR, 1. Identifiers: Orphanet 2149, Orphanet 82004, MedGen C1848213, MONDO:0010233, OMIM 300049.
Frontometaphyseal dysplasia (FMD1). Identifiers: Orphanet 1826, MedGen C0265293, MONDO:0015942.
Oto-palato-digital syndrome, type II (OPD2). Also called: FACIOPALATOOSSEOUS SYNDROME; OPD II SYNDROME; Otopalatodigital Syndrome Type 2 (FLNA-OPD2); Otopalatodigital Syndrome, Type II. Identifiers: Orphanet 669, Orphanet 90652, MedGen C1844696, MONDO:0010571, OMIM 304120.

Submission:

Labcorp Genetics (formerly Invitae), Labcorp
Classification: Uncertain significance for Oto-palato-digital syndrome, type II; Heterotopia, periventricular, X-linked dominant; Frontometaphyseal dysplasia; Melnick-Needles syndrome. Last evaluated: 2022-01-17. Review status: criteria provided, single submitter. Criteria: Invitae Variant Classification Sherloc (09022015). Collection method: clinical testing. Allele origin: germline.
Comment: In summary, the available evidence is currently insufficient to determine the role of this variant in disease. Therefore, it has been classified as a Variant of Uncertain Significance. Advanced modeling of protein sequence and biophysical properties (such as structural, functional, and spatial information, amino acid conservation, physicochemical variation, residue mobility, and thermodynamic stability) performed at Invitae indicates that this missense variant is not expected to disrupt FLNA protein function. This variant has not been reported in the literature in individuals affected with FLNA-related conditions. This variant is not present in population databases (gnomAD no frequency). This sequence change replaces leucine, which is neutral and non-polar, with arginine, which is basic and polar, at codon 1024 of the FLNA protein (p.Leu1024Arg).